The following is an entry in ClinVar:

ClinVar aggregate classification (germline): Conflicting classifications of pathogenicity. Review status: criteria provided, conflicting classifications (1 of 4 stars). 3 submissions from 3 submitters: Uncertain significance (2); Likely benign (1). Last evaluated 2025-12-23.

Allele frequency attached by ClinVar (database versions not stated): ExAC 0.00001; gnomAD exomes 0.00002; TOPMed 0.00002; gnomAD 0.00003.
gnomAD v4.1: 36 of 1,612,644 alleles (0.0022%); highest among the groups gnomAD compares: Non-Finnish European, 0.0027%; no homozygotes.

Submissions (3):

Labcorp Genetics (formerly Invitae), Labcorp
Classification: Likely benign. Last evaluated: 2025-12-23. Review status: criteria provided, single submitter. Criteria: Invitae Variant Classification Sherloc (09022015). Collection method: clinical testing. Allele origin: germline.

Blueprint Genetics
Classification: Uncertain significance. Last evaluated: 2024-08-05. Review status: criteria provided, single submitter. Criteria: ACMG Guidelines, 2015. Collection method: clinical testing. Allele origin: germline.

GeneDx
Classification: Uncertain significance. Last evaluated: 2023-10-19. Review status: criteria provided, single submitter. Criteria: GeneDx Variant Classification Process June 2021. Collection method: clinical testing. Allele origin: germline. Affected: yes.
Comment: Has not been previously published as pathogenic or benign to our knowledge; In silico analysis supports that this missense variant has a deleterious effect on protein structure/function

NM_080680.3(COL11A2):c.3985G>A (p.Glu1329Lys)

Gene: COL11A2 (collagen type XI alpha 2 chain; minus strand). Cytogenetic location: 6p21.32.
Variant type: single nucleotide variant.
Coding change: c.3985G>A on transcript NM_080680.3 (MANE Select); coding-DNA position 3985, G replaced by A.
Protein change: p.Glu1329Lys; replaces glutamic acid 1329 with lysine.
Molecular consequence: missense variant.
Genome position (GRCh38, 1-based): chr6:33,167,828, C>T on the plus strand (G>A on the coding strand, the complement: COL11A2 is on the minus strand). VCF-style: chr6-33167828-C-T. GRCh37 (hg19) VCF-style: chr6-33135605-C-T.
Other names: c.3664G>A, p.Glu1222Lys (NM_080679.3); c.3727G>A, p.Glu1243Lys (NM_080681.3); c.3985G>A (NM_080680.2); short protein forms E1222K, E1243K, E1329K.
Identifiers: ClinVar variation 1412241 (VCV001412241.10), dbSNP rs774304709, ClinGen allele CA3750274.
Genomic context (GRCh38, chr6:33,167,828, plus strand): 5'-TGCTCCAGCACTAGGGCAGCCTGTCCCTCACCTTGGCTCCCTTCCCTCCTTGTCGCCCCT[C>T]GGAACCAGGCGAGCCAGCAGGACCCTGCAGGTGGAGTGGGAAGGAAGAGCACATGAGGCC-3'
Protein context (NP_542411.2, residues 1319-1339): KRGPAGSPGS[Glu1329Lys]GRQGGKGAKG